The following is an entry in ClinVar:

NM_078470.6(COX15):c.696T>G (p.Val232=)

Gene: COX15 (cytochrome c oxidase assembly factor COX15; minus strand). Cytogenetic location: 10q24.2.
Variant type: single nucleotide variant.
Coding change: c.696T>G on transcript NM_078470.6 (MANE Select); coding-DNA position 696, T replaced by G.
Protein change: p.Val232=; no amino-acid change (valine 232 retained).
Molecular consequence: synonymous variant. On other transcripts: non-coding transcript variant (1).
Genome position (GRCh38, 1-based): chr10:99,724,010, A>C on the plus strand (T>G on the coding strand, the complement: COX15 is on the minus strand). VCF-style: chr10-99724010-A-C. GRCh37 (hg19) VCF-style: chr10-101483767-A-C.
Other names: c.696T>G, p.Val232= (NM_001320974.2, NM_001320975.2, NM_001372024.1 and 5 more transcripts); c.159T>G, p.Val53= (NM_001320976.2).
Identifiers: ClinVar variation 377747 (VCV000377747.4), dbSNP rs375541003, ClinGen allele CA5642206.

ClinVar aggregate classification (germline): Likely benign. Review status: criteria provided, multiple submitters, no conflicts (2 of 4 stars). 2 submissions from 2 submitters: Likely benign (2). Last evaluated 2024-12-26.

Allele frequency attached by ClinVar (database versions not stated): gnomAD exomes 0.00001 and 0.00002; ExAC 0.00004; gnomAD 0.00007 and 0.00008; ESP Exome Variant Server 0.00008; TOPMed 0.00008.
gnomAD v4.1: 21 of 1,613,980 alleles (0.0013%); highest among the groups gnomAD compares: African/African-American, 0.027%; no homozygotes.

Submissions (2):

Labcorp Genetics (formerly Invitae), Labcorp
Classification: Likely benign. Last evaluated: 2024-12-26. Review status: criteria provided, single submitter. Criteria: Invitae Variant Classification Sherloc (09022015). Collection method: clinical testing. Allele origin: germline.

GeneDx
Classification: Likely benign. Last evaluated: 2016-03-22. Review status: criteria provided, single submitter. Criteria: GeneDx Variant Classification (06012015). Collection method: clinical testing. Allele origin: germline. Affected: yes.
Comment: This variant is considered likely benign or benign based on one or more of the following criteria: it is a conservative change, it occurs at a poorly conserved position in the protein, it is predicted to be benign by multiple in silico algorithms, and/or has population frequency not consistent with disease.